The following is an entry in ClinVar:

NM_001001331.4(ATP2B2):c.1523G>T (p.Arg508Leu)

Gene: ATP2B2 (ATPase plasma membrane Ca2+ transporting 2; minus strand). Cytogenetic location: 3p25.3.
Variant type: single nucleotide variant.
Coding change: c.1523G>T on transcript NM_001001331.4 (MANE Select); coding-DNA position 1523, G replaced by T.
Protein change: p.Arg508Leu; replaces arginine 508 with leucine.
Molecular consequence: missense variant.
Genome position (GRCh38, 1-based): chr3:10,371,945, C>A on the plus strand (G>T on the coding strand, the complement: ATP2B2 is on the minus strand). VCF-style: chr3-10371945-C-A. GRCh37 (hg19) VCF-style: chr3-10413629-C-A.
Other names: c.1388G>T, p.Arg463Leu (NM_001330611.3, NM_001353564.1, NM_001363862.1 and 1 more transcripts); short protein forms R463L, R508L.
Identifiers: ClinVar variation 1810003 (VCV001810003.1), dbSNP rs758734872, ClinGen allele CA351783563.

ClinVar aggregate classification (germline): Uncertain significance (1 of 4 stars; one submission).

Submission:

GeneDx
Classification: Uncertain significance. Last evaluated: 2022-07-01. Review status: criteria provided, single submitter. Criteria: GeneDx Variant Classification Process June 2021. Collection method: clinical testing. Allele origin: germline. Affected: yes.
Comment: Not observed at significant frequency in large population cohorts (gnomAD); In silico analysis supports that this missense variant has a deleterious effect on protein structure/function; Has not been previously published as pathogenic or benign to our knowledge